The following is an entry in ClinVar:

ClinVar aggregate classification (germline): Pathogenic (1 of 4 stars; one submission).

Conditions:
Congenital hypogonadotropic hypogonadism. Identifiers: Orphanet 174590, MedGen C3899503, MONDO:0015770.

Submission:

Reproductive Endocrine Unit, Massachusetts General Hospital
Classification: Pathogenic for Congenital hypogonadotropic hypogonadism. Last evaluated: 2025-05-01. Review status: criteria provided, single submitter. Criteria: ACMG Guidelines, 2015. Collection method: research. Allele origin: unknown. Affected: yes.
Comment: Ser111* meets the PVS1 & PS4 ACMG criteria. In summary, the Ser111* is classified as uncertain significance based upon the information we were able to obtain

NM_004098.4(EMX2):c.332C>A (p.Ser111Ter)

Genes: EMX2OS (EMX2 opposite strand/antisense RNA; minus strand), EMX2 (empty spiracles homeobox 2; plus strand). Cytogenetic location: 10q26.11.
Variant type: single nucleotide variant.
Coding change: c.332C>A on transcript NM_004098.4 (MANE Select); coding-DNA position 332, C replaced by A.
Protein change: p.Ser111Ter; replaces serine 111 with a stop codon.
Molecular consequence: nonsense.
Genome position (GRCh38, 1-based): chr10:117,543,599, C>A. VCF-style: chr10-117543599-C-A. GRCh37 (hg19) VCF-style: chr10-119303110-C-A.
Other names: c.332C>A, p.Ser111Ter (NM_001165924.2); short protein forms S111*.
Identifiers: ClinVar variation 3896706 (VCV003896706.1).
Genomic context (GRCh38, chr10:117,543,599, plus strand): 5'-CGCACGCCCTGGCCGCCCACCCCCTACCCTCCTCGCACTCGCCACACCCCCTATTCGCCT[C>A]GCAGCAGCGGGATCCGTCCACCTTCTACCCCTGGCTCATCCACCGCTACCGATATCTGGG-3'